The following is an entry in ClinVar:

NM_181703.4(GJA5):c.730C>A (p.His244Asn)

Genes: GJA5 (gap junction protein alpha 5; minus strand), LOC122128420 (Sharpr-MPRA regulatory region 3144; plus strand). Cytogenetic location: 1q21.2.
Variant type: single nucleotide variant.
Coding change: c.730C>A on transcript NM_181703.4 (MANE Select); coding-DNA position 730, C replaced by A.
Protein change: p.His244Asn; replaces histidine 244 with asparagine.
Molecular consequence: missense variant.
Genome position (GRCh38, 1-based): chr1:147,758,509, G>T on the plus strand (C>A on the coding strand, the complement: GJA5 is on the minus strand). VCF-style: chr1-147758509-G-T. GRCh37 (hg19) VCF-style: chr1-147230617-G-T.
Other names: c.730C>A, p.His244Asn (NM_005266.7); short protein forms H244N.
Identifiers: ClinVar variation 3756698 (VCV003756698.2).

ClinVar aggregate classification (germline): Uncertain significance (1 of 4 stars; one submission).

Conditions:
Atrial standstill 1 (ATRST1). Also called: ATRIAL CARDIOMYOPATHY WITH HEART BLOCK; CARDIOMYOPATHY, FAMILIAL, WITH CONDUCTION DISTURBANCE; Atrial standstill, digenic (GJA5/SCN5A). Identifiers: Orphanet 1344, MedGen C4551959, MONDO:0007171, OMIM 108770.
Atrial fibrillation, familial, 11 (ATFB11). Identifiers: MedGen C3279693, MONDO:0013544, OMIM 614049.

Submission:

Labcorp Genetics (formerly Invitae), Labcorp
Classification: Uncertain significance for Atrial fibrillation, familial, 11; Atrial standstill 1. Last evaluated: 2024-06-17. Review status: criteria provided, single submitter. Criteria: Invitae Variant Classification Sherloc (09022015). Collection method: clinical testing. Allele origin: germline.
Comment: This sequence change replaces histidine, which is basic and polar, with asparagine, which is neutral and polar, at codon 244 of the GJA5 protein (p.His244Asn). This variant is not present in population databases (gnomAD no frequency). This variant has not been reported in the literature in individuals affected with GJA5-related conditions. Advanced modeling of protein sequence and biophysical properties (such as structural, functional, and spatial information, amino acid conservation, physicochemical variation, residue mobility, and thermodynamic stability) performed at Invitae indicates that this missense variant is not expected to disrupt GJA5 protein function with a negative predictive value of 80%. In summary, the available evidence is currently insufficient to determine the role of this variant in disease. Therefore, it has been classified as a Variant of Uncertain Significance.